The following is an entry in ClinVar:

ClinVar aggregate classification (germline): Uncertain significance (1 of 4 stars; one submission).

Conditions:
Hypertrophic cardiomyopathy 26. Also called: Cardiomyopathy, familial hypertrophic, 26. Identifiers: Orphanet 75249, MedGen C4310749, MONDO:0014883, OMIM 617047.
Myofibrillar myopathy 5. Also called: Filaminopathy (type); FILAMINOPATHY, AUTOSOMAL DOMINANT. Identifiers: Orphanet 171445, MedGen C1836050, MONDO:0012289, OMIM 609524.
Distal myopathy with posterior leg and anterior hand involvement. Also called: WILLIAMS DISTAL MYOPATHY. Identifiers: Orphanet 63273, MedGen C3279722, MONDO:0013550, OMIM 614065.

Submission:

Labcorp Genetics (formerly Invitae), Labcorp
Classification: Uncertain significance for Distal myopathy with posterior leg and anterior hand involvement; Myofibrillar myopathy 5; Hypertrophic cardiomyopathy 26. Last evaluated: 2025-11-13. Review status: criteria provided, single submitter. Criteria: Invitae Variant Classification Sherloc (09022015). Collection method: clinical testing. Allele origin: germline.
Comment: This sequence change replaces valine, which is neutral and non-polar, with leucine, which is neutral and non-polar, at codon 1524 of the FLNC protein (p.Val1524Leu). This variant is not present in population databases (gnomAD no frequency). This variant has not been reported in the literature in individuals affected with FLNC-related conditions. Invitae Evidence Modeling of protein sequence and biophysical properties (such as structural, functional, and spatial information, amino acid conservation, physicochemical variation, residue mobility, and thermodynamic stability) has been performed for this missense variant. However, the output from this modeling did not meet the statistical confidence thresholds required to predict the impact of this variant on FLNC protein function. In summary, the available evidence is currently insufficient to determine the role of this variant in disease. Therefore, it has been classified as a Variant of Uncertain Significance.

NM_001458.5(FLNC):c.4570G>T (p.Val1524Leu)

Gene: FLNC (filamin C; plus strand). Cytogenetic location: 7q32.1.
Variant type: single nucleotide variant.
Coding change: c.4570G>T on transcript NM_001458.5 (MANE Select); coding-DNA position 4570, G replaced by T.
Protein change: p.Val1524Leu; replaces valine 1524 with leucine.
Molecular consequence: missense variant.
Genome position (GRCh38, 1-based): chr7:128,848,058, G>T. VCF-style: chr7-128848058-G-T. GRCh37 (hg19) VCF-style: chr7-128488112-G-T.
Other names: c.4570G>T, p.Val1524Leu (NM_001127487.2); short protein forms V1524L.
Identifiers: ClinVar variation 4812730 (VCV004812730.1).
Genomic context (GRCh38, chr7:128,848,058, plus strand): 5'-CACTACACCCCAGCCACTGACGGGCCCTACACGGTAGCCGTCAAGTATGCTGACCAGGAG[G>T]TGCCACGCAGGTGAGGACCAGCCCTGGGCTCCTGTGCTGCGGCTGAGCTCTGGGGTGCTC-3'
Protein context (NP_001449.3, residues 1514-1534): TVAVKYADQE[Val1524Leu]PRSPFKIKVL